The following is an entry in ClinVar:

NM_000292.3(PHKA2):c.3383T>C (p.Leu1128Pro)

Genes: PHKA2-AS1 (PHKA2 antisense RNA 1; plus strand), PHKA2 (phosphorylase kinase regulatory subunit alpha 2; minus strand). Cytogenetic location: Xp22.13.
Variant type: single nucleotide variant.
Coding change: c.3383T>C on transcript NM_000292.3 (MANE Select); coding-DNA position 3383, T replaced by C.
Protein change: p.Leu1128Pro; replaces leucine 1128 with proline.
Molecular consequence: missense variant. On other transcripts: non-coding transcript variant (1).
Genome position (GRCh38, 1-based): chrX:18,894,358, A>G on the plus strand (T>C on the coding strand, the complement: PHKA2 is on the minus strand). VCF-style: chrX-18894358-A-G. GRCh37 (hg19) VCF-style: chrX-18912476-A-G.
Other names: short protein forms L1128P.
Identifiers: ClinVar variation 208738 (VCV000208738.6), dbSNP rs797044921, ClinGen allele CA204793.

ClinVar aggregate classification (germline): Conflicting classifications of pathogenicity. Review status: criteria provided, conflicting classifications (1 of 4 stars). 2 submissions from 2 submitters: Likely pathogenic (1); Uncertain significance (1). Last evaluated 2019-05-28.

Conditions:
Glycogen storage disease IXa1. Also called: LIVER GLYCOGENOSIS, X-LINKED, TYPE I; GLYCOGEN STORAGE DISEASE VIII; GSD VIII; Glycogen storage disease 8. Identifiers: Orphanet 264580, MedGen C3694531, MONDO:0010598, OMIM 306000.
Inborn genetic diseases. Identifiers: MedGen C0950123, MeSH D030342.

Submissions (2):

Mendelics
Classification: Likely pathogenic for Glycogen storage disease IXa1. Last evaluated: 2019-05-28. Review status: criteria provided, single submitter. Criteria: Mendelics Assertion Criteria 2017. Collection method: clinical testing. Allele origin: unknown.

Ambry Genetics
Classification: Uncertain significance for Inborn genetic diseases. Last evaluated: 2014-10-24. Review status: criteria provided, single submitter. Criteria: Ambry Variant Classification Scheme 2023. Collection method: clinical testing. Allele origin: germline.
Comment: The c.3383T>C (p.L1128P) alteration is located in exon 32 (coding exon 32) of the PHKA2 gene. This alteration results from a T to C substitution at nucleotide position 3383, causing the leucine (L) at amino acid position 1128 to be replaced by a proline (P). The alteration is not observed in healthy cohorts:_x000D_ Based on data from the NHLBI Exome Sequencing Project (ESP), the PHKA2 c.3383T>C alteration was not observed among 6,503 individuals tested. Allele frequency data for this nucleotide position are not currently available from the 1000 Genomes Project and the alteration is not currently listed in the Database of Single Nucleotide Polymorphisms (dbSNP)._x000D_ Though some variants may appear to be rare due to database-specific ethnic underrepresentation, rare missense alleles commonly exhibit a deleterious effect on protein function (Kryukov, 2007; Tennessen, 2012). IF USED, PULL THESE INTO REFERENCES:_x000D_ Kryukov GV, et al. (2007) Am J Hum Genet 80:727-739. Tennessen JA, et al. (2012) Science 337(64):64-69. The altered amino acid is conserved throughout evolution:_x000D_ The p.L1128 amino acid is completely conserved in available vertebrate species. The amino acid is located in a functionally important protein domain:_x000D_ The p.L1128P amino acid is located within the CBL-like domain D of the PhK aL protein. This domain is predicted to interact with the regulatory domain of the catalytic PhK g subunit of the phosphorylase kinase (PhK) complex (Carriere, 2008). Missense mutations within this domain probably lead to an unstable or less regulated PhK holoenzyme and typically result in an XLG-I phenotype (Carriere, 2008). The alteration is predicted deleterious by in silico models:_x000D_ The p.L1128P alteration is predicted to be probably damaging by Polyphen and deleterious by SIFT in silico analyses. Based on insufficient or conflicting evidence, the clinical significance of this alteration remains unclear.